The following is an entry in ClinVar:

ClinVar aggregate classification (germline): Uncertain significance (1 of 4 stars; one submission).

Conditions:
Long QT syndrome (LQTS). Identifiers: MedGen C0023976, MeSH D008133, MONDO:0002442. Disease mechanism: loss of function. Inheritance: Various modes of inheritance.

Allele frequency attached by ClinVar (database versions not stated): gnomAD 0.00001; gnomAD exomes below 0.00001; TOPMed below 0.00001.
gnomAD v4.1: 10 of 1,613,790 alleles (0.00062%); highest among the groups gnomAD compares: African/African-American, 0.0013%; no homozygotes.

Submission:

Labcorp Genetics (formerly Invitae), Labcorp
Classification: Uncertain significance for Long QT syndrome. Last evaluated: 2024-12-17. Review status: criteria provided, single submitter. Criteria: Invitae Variant Classification Sherloc (09022015). Collection method: clinical testing. Allele origin: germline.
Comment: This sequence change replaces arginine, which is basic and polar, with tryptophan, which is neutral and slightly polar, at codon 1667 of the CACNA1C protein (p.Arg1667Trp). This variant is present in population databases (no rsID available, gnomAD 0.01%). This variant has not been reported in the literature in individuals affected with CACNA1C-related conditions. ClinVar contains an entry for this variant (Variation ID: 526990). Invitae Evidence Modeling of protein sequence and biophysical properties (such as structural, functional, and spatial information, amino acid conservation, physicochemical variation, residue mobility, and thermodynamic stability) indicates that this missense variant is expected to disrupt CACNA1C protein function with a positive predictive value of 95%. In summary, the available evidence is currently insufficient to determine the role of this variant in disease. Therefore, it has been classified as a Variant of Uncertain Significance.

NM_000719.7(CACNA1C):c.4999C>T (p.Arg1667Trp)

Genes: CACNA1C (calcium voltage-gated channel subunit alpha1 C; plus strand), CACNA1C-AS1 (CACNA1C antisense RNA 1; minus strand). Cytogenetic location: 12p13.33.
Variant type: single nucleotide variant.
Coding change: c.4999C>T on transcript NM_000719.7 (MANE Select); coding-DNA position 4999, C replaced by T.
Protein change: p.Arg1667Trp; replaces arginine 1667 with tryptophan.
Molecular consequence: missense variant. On other transcripts: non-coding transcript variant (1).
Genome position (GRCh38, 1-based): chr12:2,677,775, C>T. VCF-style: chr12-2677775-C-T. GRCh37 (hg19) VCF-style: chr12-2786941-C-T.
Other names: c.5143C>T, p.Arg1715Trp (NM_001129827.2, NM_199460.4); c.5122C>T, p.Arg1708Trp (NM_001129829.2); c.4999C>T, p.Arg1667Trp (NM_001129830.3, NM_001129840.2, NM_001129841.2 and 4 more transcripts); c.5083C>T, p.Arg1695Trp (NM_001129831.2); c.5059C>T, p.Arg1687Trp (NM_001129832.2); c.5056C>T, p.Arg1686Trp (NM_001129833.2, NM_001129834.2, NM_001129835.2); c.5050C>T, p.Arg1684Trp (NM_001129836.2); c.5023C>T, p.Arg1675Trp (NM_001129837.2, NM_001129838.2); and 3 more; short protein forms R1667W, R1715W, R1673W, R1708W, R1656W, R1675W, R1684W, R1695W.
Identifiers: ClinVar variation 526990 (VCV000526990.9), dbSNP rs917884780, ClinGen allele CA231609537.